The following is an entry in ClinVar:

NM_001039876.3(SYNE4):c.356G>A (p.Arg119Gln)

Gene: SYNE4 (spectrin repeat containing nuclear envelope family member 4; minus strand). Cytogenetic location: 19q13.12.
Variant type: single nucleotide variant.
Coding change: c.356G>A on transcript NM_001039876.3 (MANE Select); coding-DNA position 356, G replaced by A.
Protein change: p.Arg119Gln; replaces arginine 119 with glutamine.
Molecular consequence: missense variant. On other transcripts: intron variant (1).
Genome position (GRCh38, 1-based): chr19:36,007,192, C>T on the plus strand (G>A on the coding strand, the complement: SYNE4 is on the minus strand). VCF-style: chr19-36007192-C-T. GRCh37 (hg19) VCF-style: chr19-36498094-C-T.
Other names: c.356G>A (NM_001039876.2); c.280-521G>A (NM_001297735.3); short protein forms R119Q.
Identifiers: ClinVar variation 2045767 (VCV002045767.3), dbSNP rs543896789, ClinGen allele CA9393958.

ClinVar aggregate classification (germline): Uncertain significance. Review status: criteria provided, multiple submitters, no conflicts (2 of 4 stars). 3 submissions from 3 submitters: Uncertain significance (3). Last evaluated 2026-03-09.

Conditions:
SYNE4-related disorder. Also called: SYNE4-related condition.

Allele frequency attached by ClinVar (database versions not stated): gnomAD 0.00001; gnomAD exomes 0.00003; TOPMed 0.00003; ExAC 0.00021.
gnomAD v4.1: 41 of 1,584,916 alleles (0.0026%); highest among the groups gnomAD compares: Admixed American, 0.051%; no homozygotes.

Submissions (3):

PreventionGenetics, part of Exact Sciences
Classification: Uncertain significance for SYNE4-related condition. Last evaluated: 2026-03-09. Review status: criteria provided, single submitter. Criteria: ACMG Guidelines, 2015. Collection method: clinical testing. Allele origin: germline.
Comment: The SYNE4 c.356G>A variant is predicted to result in the amino acid substitution p.Arg119Gln. To our knowledge, this variant has not been reported in the literature. This variant is reported in 0.080% of alleles in individuals of Latino descent in gnomAD. Although we suspect that this variant may be benign, at this time, the clinical significance of this variant is uncertain due to the absence of conclusive functional and genetic evidence.

Labcorp Genetics (formerly Invitae), Labcorp
Classification: Uncertain significance. Last evaluated: 2022-06-26. Review status: criteria provided, single submitter. Criteria: Invitae Variant Classification Sherloc (09022015). Collection method: clinical testing. Allele origin: germline.
Comment: This sequence change replaces arginine, which is basic and polar, with glutamine, which is neutral and polar, at codon 119 of the SYNE4 protein (p.Arg119Gln). This variant is present in population databases (rs543896789, gnomAD 0.08%). This variant has not been reported in the literature in individuals affected with SYNE4-related conditions. Algorithms developed to predict the effect of missense changes on protein structure and function output the following: SIFT: "Tolerated"; PolyPhen-2: "Benign"; Align-GVGD: "Class C0". The glutamine amino acid residue is found in multiple mammalian species, which suggests that this missense change does not adversely affect protein function. Algorithms developed to predict the effect of sequence changes on RNA splicing suggest that this variant may create or strengthen a splice site. In summary, the available evidence is currently insufficient to determine the role of this variant in disease. Therefore, it has been classified as a Variant of Uncertain Significance.

Blueprint Genetics
Classification: Uncertain significance. Last evaluated: 2019-06-20. Review status: criteria provided, single submitter. Criteria: ACMG Guidelines, 2015. Collection method: clinical testing. Allele origin: germline.